The following is an entry in ClinVar:

ClinVar aggregate classification (germline): Uncertain significance (1 of 4 stars; one submission).

Conditions:
Hyperkalemic periodic paralysis. Also called: Familial hyperkalemic periodic paralysis; Gamstorp disease. Identifiers: Orphanet 682, MedGen C0238357, MONDO:0008224, OMIM 170500, HP:0007215.

Allele frequency attached by ClinVar (database versions not stated): gnomAD 0.00001; TOPMed 0.00001.
gnomAD v4.1: 2 of 1,613,818 alleles (0.00012%); highest among the groups gnomAD compares: Non-Finnish European, 0.00017%; no homozygotes.

Submission:

Labcorp Genetics (formerly Invitae), Labcorp
Classification: Uncertain significance for Hyperkalemic periodic paralysis. Last evaluated: 2023-05-15. Review status: criteria provided, single submitter. Criteria: Invitae Variant Classification Sherloc (09022015). Collection method: clinical testing. Allele origin: germline.
Comment: Advanced modeling of protein sequence and biophysical properties (such as structural, functional, and spatial information, amino acid conservation, physicochemical variation, residue mobility, and thermodynamic stability) has been performed at Invitae for this missense variant, however the output from this modeling did not meet the statistical confidence thresholds required to predict the impact of this variant on SCN4A protein function. In summary, the available evidence is currently insufficient to determine the role of this variant in disease. Therefore, it has been classified as a Variant of Uncertain Significance. ClinVar contains an entry for this variant (Variation ID: 2185353). This variant has not been reported in the literature in individuals affected with SCN4A-related conditions. This variant is present in population databases (no rsID available, gnomAD 0.0009%). This sequence change replaces alanine, which is neutral and non-polar, with threonine, which is neutral and polar, at codon 449 of the SCN4A protein (p.Ala449Thr).

NM_000334.4(SCN4A):c.1345G>A (p.Ala449Thr)

Gene: SCN4A (sodium voltage-gated channel alpha subunit 4; minus strand). Cytogenetic location: 17q23.3.
Variant type: single nucleotide variant.
Coding change: c.1345G>A on transcript NM_000334.4 (MANE Select); coding-DNA position 1345, G replaced by A.
Protein change: p.Ala449Thr; replaces alanine 449 with threonine.
Molecular consequence: missense variant.
Genome position (GRCh38, 1-based): chr17:63,964,575, C>T on the plus strand (G>A on the coding strand, the complement: SCN4A is on the minus strand). VCF-style: chr17-63964575-C-T. GRCh37 (hg19) VCF-style: chr17-62041935-C-T.
Other names: short protein forms A449T.
Identifiers: ClinVar variation 2185353 (VCV002185353.4), dbSNP rs972262577, ClinGen allele CA292971005.